The following is an entry in ClinVar:

NM_001365276.2(TNXB):c.10573C>T (p.Arg3525Cys)

Gene: TNXB (tenascin XB; minus strand). Cytogenetic location: 6p21.33.
Variant type: single nucleotide variant.
Coding change: c.10573C>T on transcript NM_001365276.2 (MANE Select); coding-DNA position 10573, C replaced by T.
Protein change: p.Arg3525Cys; replaces arginine 3525 with cysteine.
Molecular consequence: missense variant.
Genome position (GRCh38, 1-based): chr6:32,046,208, G>A on the plus strand (C>T on the coding strand, the complement: TNXB is on the minus strand). VCF-style: chr6-32046208-G-A. GRCh37 (hg19) VCF-style: chr6-32013985-G-A.
Other names: c.10567C>T, p.Arg3523Cys (NM_019105.8); short protein forms R3523C, R3525C.
Identifiers: ClinVar variation 985010 (VCV000985010.13), dbSNP rs768081210, ClinGen allele CA3733196.

ClinVar aggregate classification (germline): Uncertain significance. Review status: criteria provided, multiple submitters, no conflicts (2 of 4 stars). 3 submissions from 3 submitters: Uncertain significance (3). Last evaluated 2026-03-01.

Conditions:
Cardiovascular phenotype. Identifiers: MedGen CN230736.

Allele frequency attached by ClinVar (database versions not stated): ExAC 0.00003; gnomAD exomes 0.00003.
gnomAD v4.1: 48 of 1,592,312 alleles (0.003%); highest among the groups gnomAD compares: South Asian, 0.0034%; no homozygotes.

Submissions (3):

CeGaT Center for Human Genetics Tuebingen
Classification: Uncertain significance. Last evaluated: 2026-03-01. Review status: criteria provided, single submitter. Criteria: CeGaT Center For Human Genetics Tuebingen Variant Classification Criteria Version 2. Collection method: clinical testing. Allele origin: germline. Affected: yes. Observed: 1 variant allele.
Comment: TNXB: PM2, BP4

Ambry Genetics
Classification: Uncertain significance for Cardiovascular phenotype. Last evaluated: 2024-10-27. Review status: criteria provided, single submitter. Criteria: Ambry Variant Classification Scheme 2023. Collection method: clinical testing. Allele origin: germline.
Comment: The p.R3523C variant (also known as c.10567C>T), located in coding exon 30 of the TNXB gene, results from a C to T substitution at nucleotide position 10567. The arginine at codon 3523 is replaced by cysteine, an amino acid with highly dissimilar properties. This amino acid position is not well conserved in available vertebrate species. In addition, this alteration is predicted to be tolerated by in silico analysis. Based on the available evidence, the clinical significance of this variant remains unclear.

GeneDx
Classification: Uncertain significance. Last evaluated: 2024-01-04. Review status: criteria provided, single submitter. Criteria: GeneDx Variant Classification Process June 2021. Collection method: clinical testing. Allele origin: germline. Affected: yes.
Comment: In silico analysis supports that this missense variant has a deleterious effect on protein structure/function; Has not been previously published as pathogenic or benign to our knowledge